The following is an entry in ClinVar:

NM_001042492.3(NF1):c.3953G>A (p.Ser1318Asn)

Gene: NF1 (neurofibromin 1; plus strand). Cytogenetic location: 17q11.2.
Variant type: single nucleotide variant.
Coding change: c.3953G>A on transcript NM_001042492.3 (MANE Select); coding-DNA position 3953, G replaced by A.
Protein change: p.Ser1318Asn; replaces serine 1318 with asparagine.
Molecular consequence: missense variant.
Genome position (GRCh38, 1-based): chr17:31,236,000, G>A. VCF-style: chr17-31236000-G-A. GRCh37 (hg19) VCF-style: chr17-29563018-G-A.
Other names: c.3953G>A, p.Ser1318Asn (NM_000267.4); short protein forms S1318N.
Identifiers: ClinVar variation 141641 (VCV000141641.3), dbSNP rs587781900, ClinGen allele CA166015.

ClinVar aggregate classification (germline): Uncertain significance (1 of 4 stars; one submission).

Conditions:
Hereditary cancer-predisposing syndrome. Also called: Neoplastic Syndromes, Hereditary; Tumor predisposition; Hereditary Cancer Syndrome; Hereditary neoplastic syndrome. Identifiers: Orphanet 140162, MedGen C0027672, MeSH D009386, MONDO:0015356.

Submission:

Ambry Genetics
Classification: Uncertain significance for Hereditary cancer-predisposing syndrome. Last evaluated: 2014-02-26. Review status: criteria provided, single submitter. Criteria: Ambry Autosomal Dominant and X-Linked criteria (10/2015). Collection method: clinical testing. Allele origin: germline. Observed: 1 variant allele.
Comment: The p.S1318N variant (also known as c.3953G>A), located in coding exon 29 of the NF1 gene, results from a G to A substitution at nucleotide position 3953. The serine at codon 1318 is replaced by asparagine, an amino acid with highly similar properties. This variant was not reported in population based cohorts in the following databases: Database of Single Nucleotide Polymorphisms (dbSNP), NHLBI Exome Sequencing Project (ESP), and 1000 Genomes Project. This amino acid position is completely conserved on sequence alignment. In addition, the in silico prediction for this alteration is inconclusive.Since supporting evidence is limited at this time, the clinical significance ofp.S1318Nremains unclear.